The following is an entry in ClinVar:

NM_001165963.4(SCN1A):c.3235G>A (p.Val1079Ile)

Genes: SCN1A (sodium voltage-gated channel alpha subunit 1; minus strand), LOC102724058 (uncharacterized LOC102724058; plus strand). Cytogenetic location: 2q24.3.
Variant type: single nucleotide variant.
Coding change: c.3235G>A on transcript NM_001165963.4 (MANE Select); coding-DNA position 3235, G replaced by A.
Protein change: p.Val1079Ile; replaces valine 1079 with isoleucine.
Molecular consequence: missense variant. On other transcripts: non-coding transcript variant (2).
Genome position (GRCh38, 1-based): chr2:166,036,242, C>T on the plus strand (G>A on the coding strand, the complement: SCN1A is on the minus strand). VCF-style: chr2-166036242-C-T. GRCh37 (hg19) VCF-style: chr2-166892752-C-T.
Other names: c.3235G>A (NM_001165963.1); c.3151G>A, p.Val1051Ile (NM_001165964.3, NM_001353957.2, NM_001353958.2); c.3235G>A, p.Val1079Ile (NM_001202435.3, NM_001353948.2); c.3202G>A, p.Val1068Ile (NM_001353949.2, NM_001353950.2, NM_001353951.2 and 2 more transcripts); c.3199G>A, p.Val1067Ile (NM_001353954.2, NM_001353955.2); c.3148G>A, p.Val1050Ile (NM_001353960.2); c.793G>A, p.Val265Ile (NM_001353961.2); short protein forms V1050I, V1079I, V1068I, V1051I, V1067I, V265I.
Identifiers: ClinVar variation 2185973 (VCV002185973.7), dbSNP rs1696346826, ClinGen allele CA349059508.

ClinVar aggregate classification (germline): Conflicting classifications of pathogenicity. Review status: criteria provided, conflicting classifications (1 of 4 stars). 2 submissions from 2 submitters: Likely pathogenic (1); Uncertain significance (1). Last evaluated 2025-10-17.

Conditions:
Early-infantile DEE. Also called: Early infantile epileptic encephalopathy with suppression bursts; Early infantile epileptic encephalopathy; Ohtahara syndrome. Identifiers: Orphanet 1934, MedGen C0393706, MONDO:0800491.

Allele frequency attached by ClinVar (database versions not stated): gnomAD exomes below 0.00001.

Submissions (2):

GeneDx
Classification: Likely pathogenic. Last evaluated: 2025-10-17. Review status: criteria provided, single submitter. Criteria: GeneDx Variant Classification Process June 2021. Collection method: clinical testing. Allele origin: germline. Affected: yes.
Comment: Identified in an individual with Dravet syndrome and inherited from an unaffected parent; the proband also harbored a de novo frameshift variant in SCN1A that was thought to be diagnostic (PMID: 18930999); In silico analysis suggests that this missense variant does not alter protein structure/function; Not observed at significant frequency in large population cohorts (gnomAD); This substitution is predicted to be within the cytoplasmic loop between the second and third homologous domains; This variant is associated with the following publications: (PMID: 19585586, Ferreira2020[review], 18930999)

Labcorp Genetics (formerly Invitae), Labcorp
Classification: Uncertain significance for Early-infantile DEE. Last evaluated: 2024-08-13. Review status: criteria provided, single submitter. Criteria: Invitae Variant Classification Sherloc (09022015). Collection method: clinical testing. Allele origin: germline.
Comment: This sequence change replaces valine, which is neutral and non-polar, with isoleucine, which is neutral and non-polar, at codon 1079 of the SCN1A protein (p.Val1079Ile). This variant is not present in population databases (gnomAD no frequency). This missense change has been observed in individual(s) with clinical features of SCN1A-related conditions (PMID: 18930999). ClinVar contains an entry for this variant (Variation ID: 2185973). Invitae Evidence Modeling of protein sequence and biophysical properties (such as structural, functional, and spatial information, amino acid conservation, physicochemical variation, residue mobility, and thermodynamic stability) indicates that this missense variant is not expected to disrupt SCN1A protein function with a negative predictive value of 95%. In summary, the available evidence is currently insufficient to determine the role of this variant in disease. Therefore, it has been classified as a Variant of Uncertain Significance.

Literature cited by the submitters: PubMed 18930999 (cited by Labcorp Genetics (formerly Invitae), Labcorp).